The following is an entry in ClinVar:

ClinVar aggregate classification (germline): Pathogenic (1 of 4 stars; one submission).

Conditions:
Multiple sulfatase deficiency (MSD). Also called: Multiple Sulfatase Deficiency Disease; Sulfatidosis, Juvenile, Austin Type; Mucosulfatidosis. Identifiers: Orphanet 585, MedGen C0268263, MONDO:0010088, OMIM 272200.

Submission:

Labcorp Genetics (formerly Invitae), Labcorp
Classification: Pathogenic for Multiple sulfatase deficiency. Last evaluated: 2024-02-11. Review status: criteria provided, single submitter. Criteria: Invitae Variant Classification Sherloc (09022015). Collection method: clinical testing. Allele origin: germline.
Comment: This sequence change creates a premature translational stop signal (p.Lys151*) in the SUMF1 gene. It is expected to result in an absent or disrupted protein product. Loss-of-function variants in SUMF1 are known to be pathogenic (PMID: 12757705, 12757706, 25885655). This variant is not present in population databases (gnomAD no frequency). This variant has not been reported in the literature in individuals affected with SUMF1-related conditions. ClinVar contains an entry for this variant (Variation ID: 1076822). Algorithms developed to predict the effect of sequence changes on RNA splicing suggest that this variant may disrupt the consensus splice site. For these reasons, this variant has been classified as Pathogenic.

Literature cited by the submitters: PubMed 12757705; PubMed 12757706; PubMed 25885655.

NM_182760.4(SUMF1):c.451A>T (p.Lys151Ter)

Gene: SUMF1 (sulfatase modifying factor 1; minus strand). Cytogenetic location: 3p26.1.
Variant type: single nucleotide variant.
Coding change: c.451A>T on transcript NM_182760.4 (MANE Select); coding-DNA position 451, A replaced by T.
Protein change: p.Lys151Ter; replaces lysine 151 with a stop codon.
Molecular consequence: nonsense. On other transcripts: intron variant (1).
Genome position (GRCh38, 1-based): chr3:4,449,334, T>A on the plus strand (A>T on the coding strand, the complement: SUMF1 is on the minus strand). VCF-style: chr3-4449334-T-A. GRCh37 (hg19) VCF-style: chr3-4491018-T-A.
Other names: c.451A>T, p.Lys151Ter (NM_001164675.2); c.444+3542A>T (NM_001164674.2); short protein forms K151*.
Identifiers: ClinVar variation 1076822 (VCV001076822.5), dbSNP rs2125124343, ClinGen allele CA351793036.